The following is an entry in ClinVar:

ClinVar aggregate classification (germline): Pathogenic. Review status: criteria provided, multiple submitters, no conflicts (2 of 4 stars). 5 submissions from 5 submitters: Pathogenic (3). 2 of the submissions do not count toward it. Last evaluated 2023-08-28.

Conditions:
Fontaine progeroid syndrome. Also called: Progeroid syndrome congenital Petty type; Petty Laxova Wiedemann syndrome; CRANIOFACIAL DYSOSTOSIS, HYPERTRICHOSIS, HYPOPLASIA OF LABIA MAJORA, DENTAL AND EYE ANOMALIES, PATENT DUCTUS ARTERIOSUS, AND NORMAL INTELLIGENCE; Craniofacial dysostosis, patent ductus arteriosus, hypertrichosis, hypoplasia of labia majora, dental and eye anomalies; GCM syndrome; Gorlin-Chaudhry-Moss syndrome. Identifiers: Orphanet 2095, MedGen C2676780, MONDO:0012853, OMIM 612289.

Submissions (5):

GeneDx
Classification: Pathogenic. Last evaluated: 2023-08-28. Review status: criteria provided, single submitter. Criteria: GeneDx Variant Classification Process June 2021. Collection method: clinical testing. Allele origin: germline. Affected: yes.
Comment: In silico analysis supports that this missense variant has a deleterious effect on protein structure/function; Not observed at significant frequency in large population cohorts (gnomAD); This variant is associated with the following publications: (PMID: 29631995, 30281880, 10215548, 36093452, 31775791, 32340404, 37449547, 32732226, 29100094, 29100093)

Baylor Genetics
Classification: Pathogenic for Fontaine progeroid syndrome. Last evaluated: 2023-05-15. Review status: criteria provided, single submitter. Criteria: ACMG Guidelines, 2015. Collection method: clinical testing. Allele origin: unknown.

Centre for Mendelian Genomics, University Medical Centre Ljubljana
Classification: Pathogenic for Fontaine progeroid syndrome. Review status: criteria provided, single submitter. Criteria: ACMG Guidelines, 2015. Collection method: clinical testing. Allele origin: de novo. Inheritance: Autosomal dominant inheritance. Affected: yes.
Comment: The de novo variant was identified at the same protein position as the variant reported as de novo in three independent cases with Petty syndrome.

Solve-RD Consortium
Classification: Likely pathogenic for Fontaine progeroid syndrome. Last evaluated: 2022-06-01. Review status: no assertion criteria provided. Collection method: provider interpretation. Allele origin: inherited. Affected: yes. Not counted in ClinVar's aggregate classification.
Comment: Variant confirmed as disease-causing by referring clinical team

Variant identified during reanalysis of unsolved cases by the Solve-RD project. The Solve-RD project has received funding from the European Union’s Horizon 2020 research and innovation programme under grant agreement No 779257.

OMIM
Classification: Pathogenic for FONTAINE PROGEROID SYNDROME. Last evaluated: 2018-01-26. Review status: no assertion criteria provided. Collection method: literature only. Allele origin: germline. Not counted in ClinVar's aggregate classification.

Literature cited by the submitters: PubMed 39825153 (cited by Solve-RD Consortium); PubMed 29100093 (cited by OMIM); PubMed 10215548 (cited by OMIM); PubMed 29100094 (cited by OMIM).

NM_013386.5(SLC25A24):c.649C>T (p.Arg217Cys)

Gene: SLC25A24 (solute carrier family 25 member 24; minus strand). Cytogenetic location: 1p13.3.
Variant type: single nucleotide variant.
Coding change: c.649C>T on transcript NM_013386.5 (MANE Select); coding-DNA position 649, C replaced by T.
Protein change: p.Arg217Cys; replaces arginine 217 with cysteine.
Molecular consequence: missense variant.
Genome position (GRCh38, 1-based): chr1:108,157,482, G>A on the plus strand (C>T on the coding strand, the complement: SLC25A24 is on the minus strand). VCF-style: chr1-108157482-G-A. GRCh37 (hg19) VCF-style: chr1-108700104-G-A.
Other names: c.592C>T, p.Arg198Cys (NM_213651.3); short protein forms R198C, R217C.
Identifiers: ClinVar variation 369980 (VCV000369980.6), dbSNP rs1553253990, ClinGen allele CA341194707.